The following is an entry in ClinVar:

ClinVar aggregate classification (germline): Benign (1 of 4 stars; one submission).

Conditions:
Retinoblastoma (RB1). Also called: RETINOBLASTOMA, SOMATIC. Identifiers: Orphanet 790, MedGen C0035335, MeSH D012175, MONDO:0008380, OMIM 180200, HP:0009919. Disease mechanism: loss of function. Inheritance: Both sporadic and heritable forms are tested..

Allele frequency attached by ClinVar (database versions not stated): gnomAD exomes 0.00158; 1000 Genomes Project 30x 0.00562; TOPMed 0.00757; gnomAD 0.00672 and 0.00625; 1000 Genomes Project 0.00539.
gnomAD v4.1: 1,067 of 226,770 alleles (0.47%); highest among the groups gnomAD compares: African/African-American, 2%; 9 homozygotes.

Submission:

Illumina Laboratory Services, Illumina
Classification: Benign for Retinoblastoma. Last evaluated: 2018-01-12. Review status: criteria provided, single submitter. Criteria: ICSL Variant Classification Criteria 13 December 2019. Collection method: clinical testing. Allele origin: germline.
Comment: This variant was observed in the ICSL laboratory as part of a predisposition screen in an ostensibly healthy population. It had not been previously curated by ICSL or reported in the Human Gene Mutation Database (HGMD: prior to June 1st, 2018), and was therefore a candidate for classification through an automated scoring system. Utilizing variant allele frequency, disease prevalence and penetrance estimates, and inheritance mode, an automated score was calculated to assess if this variant is too frequent to cause the disease. Based on the score and internal cut-off values, a variant classified as benign is not then subjected to further curation. The score for this variant resulted in a classification of benign for this disease.

NM_000321.3(RB1):c.*703G>T

Gene: RB1 (RB transcriptional corepressor 1; plus strand). Cytogenetic location: 13q14.2.
Variant type: single nucleotide variant.
Coding change: c.*703G>T on transcript NM_000321.3 (MANE Select); 703 bases downstream of the stop codon, G replaced by T.
Molecular consequence: 3 prime UTR variant.
Genome position (GRCh38, 1-based): chr13:48,480,774, G>T. VCF-style: chr13-48480774-G-T. GRCh37 (hg19) VCF-style: chr13-49054910-G-T.
Identifiers: ClinVar variation 312309 (VCV000312309.5), dbSNP rs139023385, ClinGen allele CA10639644.